The following is an entry in ClinVar:

ClinVar aggregate classification (germline): Likely benign. Review status: criteria provided, multiple submitters, no conflicts (2 of 4 stars). 4 submissions from 4 submitters: Likely benign (4). Last evaluated 2024-05-15.

Conditions:
Familial isolated arrhythmogenic right ventricular dysplasia. Identifiers: Orphanet 217656, MedGen C4274968, MONDO:0016342.
Arrhythmogenic right ventricular dysplasia 11. Also called: Arrhythmogenic Right Ventricular Dysplasia/Cardiomyopathy11; Arrhythmogenic right ventricular dysplasia 11 with mild palmoplantar keratoderma and woolly hair; ARRHYTHMOGENIC RIGHT VENTRICULAR DYSPLASIA, FAMILIAL, 11. Identifiers: MedGen C1864850, MONDO:0012506, OMIM 610476.

Allele frequency attached by ClinVar (database versions not stated): gnomAD exomes below 0.00001 and 0.00001; ExAC 0.00001; 1000 Genomes Project 0.00020.
gnomAD v4.1: 6 of 1,613,670 alleles (0.00037%); highest among the groups gnomAD compares: East Asian, 0.0089%; no homozygotes.

Submissions (4):

Labcorp Genetics (formerly Invitae), Labcorp
Classification: Likely benign for Arrhythmogenic right ventricular dysplasia 11. Last evaluated: 2024-05-15. Review status: criteria provided, single submitter. Criteria: Invitae Variant Classification Sherloc (09022015). Collection method: clinical testing. Allele origin: germline.

Blueprint Genetics
Classification: Likely benign. Last evaluated: 2023-10-18. Review status: criteria provided, single submitter. Criteria: ACMG Guidelines, 2015. Collection method: clinical testing. Allele origin: germline.

All of Us Research Program, National Institutes of Health
Classification: Likely benign for Familial isolated arrhythmogenic right ventricular dysplasia. Last evaluated: 2023-10-02. Review status: criteria provided, single submitter. Criteria: ACMG Guidelines, 2015. Collection method: clinical testing. Allele origin: germline. Inheritance: Autosomal dominant inheritance. Observed: 1 variant allele, 1 heterozygote.
Comment: This study involves interpretation of variants in research participants for the purpose of population health screening. Participant phenotype was not available at the time of variant classification. Additional details can be found in publication PMID: 35346344, PMCID: PMC8962531

Women's Health and Genetics/Laboratory Corporation of America, LabCorp
Classification: Likely benign. Last evaluated: 2020-01-06. Review status: criteria provided, single submitter. Criteria: LabCorp Variant Classification Summary - May 2015. Collection method: clinical testing. Allele origin: germline.

NM_024422.6(DSC2):c.2691A>G (p.Ala897=)

Gene: DSC2 (desmocollin 2; minus strand). Cytogenetic location: 18q12.1.
Variant type: single nucleotide variant.
Coding change: c.2691A>G on transcript NM_024422.6 (MANE Select); coding-DNA position 2691, A replaced by G.
Protein change: p.Ala897=; no amino-acid change (alanine 897 retained).
Molecular consequence: synonymous variant. On other transcripts: 3 prime UTR variant (1).
Genome position (GRCh38, 1-based): chr18:31,068,030, T>C on the plus strand (A>G on the coding strand, the complement: DSC2 is on the minus strand). VCF-style: chr18-31068030-T-C. GRCh37 (hg19) VCF-style: chr18-28647996-T-C.
Other names: c.*193A>G (NM_004949.5).
Identifiers: ClinVar variation 917605 (VCV000917605.5), dbSNP rs555492553, ClinGen allele CA033966.